The following is an entry in ClinVar:

ClinVar aggregate classification (germline): Uncertain significance (1 of 4 stars; one submission).

Conditions:
Norman-Roberts syndrome (LIS2). Also called: Lissencephaly 2 (Norman-Roberts type). Identifiers: Orphanet 89844, MedGen C0796089, MONDO:0009760, OMIM 257320.
Familial temporal lobe epilepsy 7. Identifiers: Orphanet 101046, MedGen C4225327, MONDO:0014639, OMIM 616436.

gnomAD v4.1: 1 of 1,613,758 alleles (0.000062%); highest among the groups gnomAD compares: Non-Finnish European, 0.000085%; no homozygotes.

Submission:

Labcorp Genetics (formerly Invitae), Labcorp
Classification: Uncertain significance for Familial temporal lobe epilepsy 7; Norman-Roberts syndrome. Last evaluated: 2025-12-23. Review status: criteria provided, single submitter. Criteria: Invitae Variant Classification Sherloc (09022015). Collection method: clinical testing. Allele origin: germline.
Comment: This sequence change replaces proline, which is neutral and non-polar, with serine, which is neutral and polar, at codon 31 of the RELN protein (p.Pro31Ser). This variant is present in population databases (rs752774374, gnomAD 0.0009%). This variant has not been reported in the literature in individuals affected with RELN-related conditions. Invitae Evidence Modeling of protein sequence and biophysical properties (such as structural, functional, and spatial information, amino acid conservation, physicochemical variation, residue mobility, and thermodynamic stability) indicates that this missense variant is not expected to disrupt RELN protein function with a negative predictive value of 80%. In summary, the available evidence is currently insufficient to determine the role of this variant in disease. Therefore, it has been classified as a Variant of Uncertain Significance.

NM_005045.4(RELN):c.91C>T (p.Pro31Ser)

Gene: RELN (reelin; minus strand). Cytogenetic location: 7q22.1.
Variant type: single nucleotide variant.
Coding change: c.91C>T on transcript NM_005045.4 (MANE Select); coding-DNA position 91, C replaced by T.
Protein change: p.Pro31Ser; replaces proline 31 with serine.
Molecular consequence: missense variant.
Genome position (GRCh38, 1-based): chr7:103,989,266, G>A on the plus strand (C>T on the coding strand, the complement: RELN is on the minus strand). VCF-style: chr7-103989266-G-A. GRCh37 (hg19) VCF-style: chr7-103629713-G-A.
Other names: c.91C>T, p.Pro31Ser (NM_173054.3); short protein forms P31S.
Identifiers: ClinVar variation 4782740 (VCV004782740.1).
Genomic context (GRCh38, chr7:103,989,266, plus strand): 5'-CCCCATCCCCTTCCAGCTCCCCGTGGTGGGTGCACAGGAAAAAGAAGGGCGAAAAGCGGG[G>A]GTAATAGCCAGCCGCCGCGCGCGCCCTCAGCGTCGCCCCCAGCAACAGCGCTAGGAGGAA-3'
Protein context (NP_005036.2, residues 21-41): LRARAAAGYY[Pro31Ser]RFSPFFFLCT